The following is an entry in ClinVar:

ClinVar aggregate classification (germline): Benign (0 of 4 stars; one submission).

Conditions:
MUC16-related disorder. Also called: MUC16-related condition.

Allele frequency attached by ClinVar (database versions not stated): gnomAD exomes 0.00026; ExAC 0.00066; gnomAD 0.00229; ESP Exome Variant Server 0.00245; 1000 Genomes Project 0.00260; TOPMed 0.00276; 1000 Genomes Project 30x 0.00281.

Submission:

PreventionGenetics, part of Exact Sciences
Classification: Benign for MUC16-related condition. Last evaluated: 2019-09-30. Review status: no assertion criteria provided. Collection method: clinical testing. Allele origin: germline.
Comment: This variant is classified as benign based on ACMG/AMP sequence variant interpretation guidelines (Richards et al. 2015 PMID: 25741868, with internal and published modifications).

NM_001401501.2(MUC16):c.9783G>A (p.Arg3261=)

Gene: MUC16 (mucin 16, cell surface associated; minus strand). Cytogenetic location: 19p13.2.
Variant type: single nucleotide variant.
Coding change: c.9783G>A on transcript NM_001401501.2 (MANE Select); coding-DNA position 9783, G replaced by A.
Protein change: p.Arg3261=; no amino-acid change (arginine 3261 retained).
Molecular consequence: synonymous variant.
Genome position (GRCh38, 1-based): chr19:8,967,107, C>T on the plus strand (G>A on the coding strand, the complement: MUC16 is on the minus strand). VCF-style: chr19-8967107-C-T. GRCh37 (hg19) VCF-style: chr19-9077783-C-T.
Other names: c.10209G>A, p.Arg3403= (NM_001414686.1); c.9663G>A, p.Arg3221= (NM_001414687.1, NM_024690.2).
Identifiers: ClinVar variation 3040444 (VCV003040444.2), dbSNP rs374764358, ClinGen allele CA9171630.